The following is an entry in ClinVar:

ClinVar aggregate classification (germline): Uncertain significance (1 of 4 stars; one submission).

Conditions:
Familial cancer of breast. Also called: Hereditary breast cancer; BREAST CANCER, FAMILIAL; hereditary breast carcinoma. Identifiers: Orphanet 227535, MedGen C0346153, MONDO:0016419, OMIM 114480. Disease mechanism: loss of function.
Fanconi anemia complementation group J. Also called: BRIP1-Related Fanconi Anemia. Identifiers: Orphanet 84, MedGen C1836860, MONDO:0012187, OMIM 609054.

Submission:

Labcorp Genetics (formerly Invitae), Labcorp
Classification: Uncertain significance for Familial cancer of breast; Fanconi anemia complementation group J. Last evaluated: 2024-10-14. Review status: criteria provided, single submitter. Criteria: Invitae Variant Classification Sherloc (09022015). Collection method: clinical testing. Allele origin: germline.
Comment: This sequence change replaces leucine, which is neutral and non-polar, with proline, which is neutral and non-polar, at codon 134 of the BRIP1 protein (p.Leu134Pro). This variant is not present in population databases (gnomAD no frequency). This variant has not been reported in the literature in individuals affected with BRIP1-related conditions. ClinVar contains an entry for this variant (Variation ID: 2102479). Invitae Evidence Modeling of protein sequence and biophysical properties (such as structural, functional, and spatial information, amino acid conservation, physicochemical variation, residue mobility, and thermodynamic stability) has been performed for this missense variant. However, the output from this modeling did not meet the statistical confidence thresholds required to predict the impact of this variant on BRIP1 protein function. In summary, the available evidence is currently insufficient to determine the role of this variant in disease. Therefore, it has been classified as a Variant of Uncertain Significance.

NM_032043.3(BRIP1):c.401T>C (p.Leu134Pro)

Gene: BRIP1 (BRCA1 interacting DNA helicase 1; minus strand). Cytogenetic location: 17q23.2.
Variant type: single nucleotide variant.
Coding change: c.401T>C on transcript NM_032043.3 (MANE Select); coding-DNA position 401, T replaced by C.
Protein change: p.Leu134Pro; replaces leucine 134 with proline.
Molecular consequence: missense variant.
Genome position (GRCh38, 1-based): chr17:61,849,235, A>G on the plus strand (T>C on the coding strand, the complement: BRIP1 is on the minus strand). VCF-style: chr17-61849235-A-G. GRCh37 (hg19) VCF-style: chr17-59926596-A-G.
Other names: short protein forms L134P.
Identifiers: ClinVar variation 2102479 (VCV002102479.4), dbSNP rs2145765921, ClinGen allele CA400484576.
Genomic context (GRCh38, chr17:61,849,235, plus strand): 5'-AAATCATCATTTTCATCTCTGTATATGGATGCCTGTTTCTTAGCAGATAACTTTGCAGCC[A>G]GAGTGGTTTTTTCAGGGGAGTCTTATATAAGTAATTTAAAAAAAACAGCATAAATAACTT-3'
Protein context (NP_114432.2, residues 124-144): TCQDSPEKTT[Leu134Pro]AAKLSAKKQA